The following is an entry in ClinVar:

NM_014363.6(SACS):c.8108G>A (p.Arg2703His)

Gene: SACS (sacsin molecular chaperone; minus strand). Cytogenetic location: 13q12.12.
Variant type: single nucleotide variant.
Coding change: c.8108G>A on transcript NM_014363.6 (MANE Select); coding-DNA position 8108, G replaced by A.
Protein change: p.Arg2703His; replaces arginine 2703 with histidine.
Molecular consequence: missense variant.
Genome position (GRCh38, 1-based): chr13:23,335,768, C>T on the plus strand (G>A on the coding strand, the complement: SACS is on the minus strand). VCF-style: chr13-23335768-C-T. GRCh37 (hg19) VCF-style: chr13-23909907-C-T.
Other names: c.7667G>A, p.Arg2556His (NM_001278055.2); c.8108G>A (NM_014363.5); short protein forms R2703H, R2556H.
Identifiers: ClinVar variation 553081 (VCV000553081.22), dbSNP rs750181262, ClinGen allele CA6910821.

ClinVar aggregate classification (germline): Conflicting classifications of pathogenicity. Review status: criteria provided, conflicting classifications (1 of 4 stars). 7 submissions from 7 submitters: Pathogenic (2); Likely pathogenic (2); Uncertain significance (2). 1 of the submissions does not count toward it. Last evaluated 2025-04-14.

Conditions:
Spastic paraplegia. Identifiers: MedGen C0037772, HP:0001258.
Charlevoix-Saguenay spastic ataxia (SACS). Also called: SPASTIC ATAXIA 6, AUTOSOMAL RECESSIVE; AUTOSOMAL RECESSIVE SPASTIC ATAXIA OF CHARLEVOIX-SAGUENAY; Spastic ataxia of Charlevoix-Saguenay. Identifiers: Orphanet 98, MedGen C1849140, MONDO:0010041, OMIM 270550.

Allele frequency attached by ClinVar (database versions not stated): ExAC 0.00001; gnomAD 0.00001; gnomAD exomes 0.00001.
gnomAD v4.1: 15 of 1,613,856 alleles (0.00093%); highest among the groups gnomAD compares: Non-Finnish European, 0.0012%; no homozygotes.

Submissions (7):

Women's Health and Genetics/Laboratory Corporation of America, LabCorp
Classification: Pathogenic for Charlevoix-Saguenay spastic ataxia. Last evaluated: 2025-04-14. Review status: criteria provided, single submitter. Criteria: LabCorp Variant Classification Summary - May 2015. Collection method: clinical testing. Allele origin: germline.
Comment: Variant summary: SACS c.8108G>A (p.Arg2703His) results in a non-conservative amino acid change in the encoded protein sequence. Five of five in-silico tools predict a damaging effect of the variant on protein function. The variant allele was found at a frequency of 1.2e-05 in 250978 control chromosomes. c.8108G>A has been observed in individual(s) affected with Charlevoix-Saguenay spastic ataxia (example: Pilliod_AnnNeurol_2015, and Sharma_JIMHI_2022). These data indicate that the variant is likely to be associated with disease. Other variant(s) that disrupt this residue have been observed in individuals with SACS-related conditions and is classified pathogenic (p.Arg2703Cys), which suggests that this may be a clinically significant amino acid residue. The following publications have been ascertained in the context of this evaluation (PMID: 26288984, 29482223, 36458808).ClinVar contains an entry for this variant (Variation ID: 553081). Based on the evidence outlined above, the variant was classified as pathogenic.

Natera, Inc.
Classification: Likely pathogenic for Charlevoix-Saguenay type spastic ataxia. Last evaluated: 2025-02-21. Review status: criteria provided, single submitter. Criteria: Natera Variant Classification Schema (03/2026). Collection method: clinical testing. Allele origin: germline.
Comment: The c.8108G>A variant in SACS is a missense variant predicted to cause substitution of arginine to histidine at amino acid 2703. This variant is rare in the general population with a frequency below the threshold expected for the associated phenotype(s). This variant has been observed in one or more individuals affected with the associated recessive disease, as either homozygous or compound heterozygous with a second variant (PMID: 26288984, 36458808). This variant has been identified in one or more affected individuals with a phenotype highly consistent with the associated gene (PMID: 36458808). Computational prediction algorithms indicate this variant is likely to affect gene or protein function. Given the available evidence, this variant is classified as Likely Pathogenic.

Baylor Genetics
Classification: Likely pathogenic for Charlevoix-Saguenay spastic ataxia. Last evaluated: 2024-03-22. Review status: criteria provided, single submitter. Criteria: ACMG Guidelines, 2015. Collection method: clinical testing. Allele origin: unknown.

Labcorp Genetics (formerly Invitae), Labcorp
Classification: Pathogenic for Spastic paraplegia. Last evaluated: 2023-11-27. Review status: criteria provided, single submitter. Criteria: Invitae Variant Classification Sherloc (09022015). Collection method: clinical testing. Allele origin: germline.
Comment: This sequence change replaces arginine, which is basic and polar, with histidine, which is basic and polar, at codon 2703 of the SACS protein (p.Arg2703His). This variant is present in population databases (rs750181262, gnomAD 0.01%). This missense change has been observed in individuals with clinical features of hereditary spastic paraplegia (PMID: 26288984; Invitae). ClinVar contains an entry for this variant (Variation ID: 553081). Advanced modeling of protein sequence and biophysical properties (such as structural, functional, and spatial information, amino acid conservation, physicochemical variation, residue mobility, and thermodynamic stability) has been performed at Invitae for this missense variant, however the output from this modeling did not meet the statistical confidence thresholds required to predict the impact of this variant on SACS protein function. This variant disrupts the p.Arg2703 amino acid residue in SACS. Other variant(s) that disrupt this residue have been determined to be pathogenic (PMID: 16007637, 29277257). This suggests that this residue is clinically significant, and that variants that disrupt this residue are likely to be disease-causing. For these reasons, this variant has been classified as Pathogenic.

GeneDx
Classification: Uncertain significance. Last evaluated: 2022-10-17. Review status: criteria provided, single submitter. Criteria: GeneDx Variant Classification Process June 2021. Collection method: clinical testing. Allele origin: germline. Affected: yes.
Comment: Not observed at a significant frequency in large population cohorts (gnomAD); In silico analysis supports that this missense variant has a deleterious effect on protein structure/function; This variant is associated with the following publications: (PMID: 29482223, 26288984)

Genome-Nilou Lab
Classification: Uncertain significance for Charlevoix-Saguenay spastic ataxia. Last evaluated: 2021-09-05. Review status: criteria provided, single submitter. Criteria: ACMG Guidelines, 2015. Collection method: clinical testing. Allele origin: germline. Affected: no.

Counsyl
Classification: Uncertain significance for Charlevoix-Saguenay spastic ataxia. Last evaluated: 2017-08-02. Review status: no assertion criteria provided. Collection method: clinical testing. Allele origin: unknown. Not counted in ClinVar's aggregate classification.

Literature cited by the submitters: PubMed 26288984 (cited by 4 submitters); PubMed 29482223 (cited by Women's Health and Genetics/Laboratory Corporation of America, LabCorp); PubMed 36458808 (cited by Women's Health and Genetics/Laboratory Corporation of America, LabCorp and Natera, Inc.); PubMed 16007637 (cited by Labcorp Genetics (formerly Invitae), Labcorp); PubMed 29277257 (cited by Labcorp Genetics (formerly Invitae), Labcorp).